The following is an entry in ClinVar:

NM_004316.4(ASCL1):c.627C>G (p.Val209=)

Gene: ASCL1 (achaete-scute family bHLH transcription factor 1; plus strand). Cytogenetic location: 12q23.2.
Variant type: single nucleotide variant.
Coding change: c.627C>G on transcript NM_004316.4 (MANE Select); coding-DNA position 627, C replaced by G.
Protein change: p.Val209=; no amino-acid change (valine 209 retained).
Molecular consequence: synonymous variant.
Genome position (GRCh38, 1-based): chr12:102,958,871, C>G. VCF-style: chr12-102958871-C-G. GRCh37 (hg19) VCF-style: chr12-103352649-C-G.
Identifiers: ClinVar variation 162758 (VCV000162758.8), dbSNP rs731682, ClinGen allele CA175266.

ClinVar aggregate classification (germline): Benign. Review status: criteria provided, multiple submitters, no conflicts (2 of 4 stars). 4 submissions from 4 submitters: Benign (4). Last evaluated 2021-06-09.

Allele frequency attached by ClinVar (database versions not stated): gnomAD 0.08783 and 0.09226; ExAC 0.05252; 1000 Genomes Project 0.07129; gnomAD exomes 0.04912; 1000 Genomes Project 30x 0.07573; TOPMed 0.09539; ESP Exome Variant Server 0.10393.

Submissions (4):

GeneDx
Classification: Benign. Last evaluated: 2021-06-09. Review status: criteria provided, single submitter. Criteria: GeneDx Variant Classification Process June 2021. Collection method: clinical testing. Allele origin: germline. Affected: yes.

Laboratory for Molecular Medicine, Mass General Brigham Personalized Medicine
Classification: Benign. Last evaluated: 2013-02-21. Review status: criteria provided, single submitter. Criteria: LMM Criteria. Collection method: clinical testing. Allele origin: germline. Observed: 10 variant alleles.
Comment: Val209Val in exon 1 of ASCL1: This variant is not expected to have clinical sign ificance because it does not alter an amino acid residue and is not located with in the splice consensus sequence. It has been identified in 20.1% (887/4402) of African American chromosomes from a broad population by the NHLBI Exome Sequenci ng Project (dbSNP rs731682).

Breakthrough Genomics
Classification: Benign. Review status: criteria provided, single submitter. Criteria: ACMG Guidelines, 2015. Collection method: not provided. Allele origin: germline. Inheritance: Unknown mechanism. Affected: yes.

PreventionGenetics, part of Exact Sciences
Classification: Benign. Review status: criteria provided, single submitter. Criteria: ACMG Guidelines, 2015. Collection method: clinical testing. Allele origin: germline.